The following is an entry in ClinVar:

NM_032119.4(ADGRV1):c.-44C>T

Gene: ADGRV1 (adhesion G protein-coupled receptor V1; plus strand). Cytogenetic location: 5q14.3.
Variant type: single nucleotide variant.
Coding change: c.-44C>T on transcript NM_032119.4 (MANE Select); 44 bases upstream of the start codon, C replaced by T.
Molecular consequence: 5 prime UTR variant. On other transcripts: non-coding transcript variant (1).
Genome position (GRCh38, 1-based): chr5:90,558,852, C>T. VCF-style: chr5-90558852-C-T. GRCh37 (hg19) VCF-style: chr5-89854669-C-T.
Identifiers: ClinVar variation 137498 (VCV000137498.5), dbSNP rs192362302, ClinGen allele CA291105.

ClinVar aggregate classification (germline): Conflicting classifications of pathogenicity. Review status: criteria provided, conflicting classifications (1 of 4 stars). 2 submissions from 2 submitters: Uncertain significance (1); Benign (1). Last evaluated 2018-01-13.

Conditions:
Usher syndrome type 2C. Also called: Usher syndrome, type 2B; USHER SYNDROME, TYPE IIC. Identifiers: Orphanet 231178, Orphanet 886, MedGen C2931213, MONDO:0011558, OMIM 605472.

Allele frequency attached by ClinVar (database versions not stated): ESP Exome Variant Server 0.00016; TOPMed 0.00024; gnomAD 0.00028 and 0.00029; 1000 Genomes Project 0.00040; 1000 Genomes Project 30x 0.00062.
gnomAD v4.1: 353 of 1,556,276 alleles (0.023%); highest among the groups gnomAD compares: Middle Eastern, 0.22%; 1 homozygote.

Submissions (2):

Illumina Laboratory Services, Illumina
Classification: Uncertain significance for Usher syndrome type 2C. Last evaluated: 2018-01-13. Review status: criteria provided, single submitter. Criteria: ICSL Variant Classification Criteria 13 December 2019. Collection method: clinical testing. Allele origin: germline.

GeneDx
Classification: Benign. Last evaluated: 2013-12-26. Review status: criteria provided, single submitter. Criteria: GeneDx Variant Classification (06012015). Collection method: clinical testing. Allele origin: germline. Affected: yes.
Comment: This variant is considered likely benign or benign based on one or more of the following criteria: it is a conservative change, it occurs at a poorly conserved position in the protein, it is predicted to be benign by multiple in silico algorithms, and/or has population frequency not consistent with disease.